The following is an entry in ClinVar:

ClinVar aggregate classification (germline): Uncertain significance. Review status: criteria provided, multiple submitters, no conflicts (2 of 4 stars). 2 submissions from 2 submitters: Uncertain significance (2). Last evaluated 2024-03-06.

Conditions:
Familial thoracic aortic aneurysm and aortic dissection (TAAD). Also called: Thoracic aortic aneurysms and dissections. Identifiers: Orphanet 91387, MedGen C4707243, MONDO:0019625.
Aortic aneurysm, familial thoracic 4 (AAT4). Also called: AORTIC ANEURYSM/AORTIC DISSECTION AND PATENT DUCTUS ARTERIOSUS. Identifiers: MedGen C1851504, MONDO:0007568, OMIM 132900.

Allele frequency attached by ClinVar (database versions not stated): gnomAD exomes below 0.00001.
gnomAD v4.1: 2 of 1,614,216 alleles (0.00012%); highest among the groups gnomAD compares: Non-Finnish European, 0.00017%; no homozygotes.

Submissions (2):

Color Diagnostics, LLC DBA Color Health
Classification: Uncertain significance for Familial thoracic aortic aneurysm and aortic dissection. Last evaluated: 2024-03-06. Review status: criteria provided, single submitter. Criteria: ACMG Guidelines, 2015. Collection method: clinical testing. Allele origin: germline.
Comment: This missense variant replaces alanine with threonine at codon 1496 of the MYH11 protein. This variant is also known as c.4465G>A, p.Ala1489Thr based on transcript NM_002474.3. Computational prediction suggests that this variant may not impact protein structure and function (internally defined REVEL score threshold <= 0.5, PMID: 27666373). To our knowledge, functional studies have not been reported for this variant. This variant has not been reported in individuals affected with cardiovascular disorders in the literature. This variant has not been identified in the general population by the Genome Aggregation Database (gnomAD). The available evidence is insufficient to determine the role of this variant in disease conclusively. Therefore, this variant is classified as a Variant of Uncertain Significance.

Labcorp Genetics (formerly Invitae), Labcorp
Classification: Uncertain significance for Aortic aneurysm, familial thoracic 4. Last evaluated: 2024-02-25. Review status: criteria provided, single submitter. Criteria: Invitae Variant Classification Sherloc (09022015). Collection method: clinical testing. Allele origin: germline.
Comment: This sequence change replaces alanine, which is neutral and non-polar, with threonine, which is neutral and polar, at codon 1496 of the MYH11 protein (p.Ala1496Thr). This variant is not present in population databases (gnomAD no frequency). This variant has not been reported in the literature in individuals affected with MYH11-related conditions. Advanced modeling of protein sequence and biophysical properties (such as structural, functional, and spatial information, amino acid conservation, physicochemical variation, residue mobility, and thermodynamic stability) performed at Invitae indicates that this missense variant is not expected to disrupt MYH11 protein function with a negative predictive value of 95%. In summary, the available evidence is currently insufficient to determine the role of this variant in disease. Therefore, it has been classified as a Variant of Uncertain Significance.

NM_002474.3(MYH11):c.4465G>A (p.Ala1489Thr)

Genes: NDE1 (nudE neurodevelopment protein 1; plus strand), MYH11 (myosin heavy chain 11; minus strand). Cytogenetic location: 16p13.11.
Variant type: single nucleotide variant.
Coding change: c.4465G>A on transcript NM_002474.3 (MANE Select); coding-DNA position 4465, G replaced by A.
Protein change: p.Ala1489Thr; replaces alanine 1489 with threonine.
Molecular consequence: missense variant. On other transcripts: intron variant (2).
Genome position (GRCh38, 1-based): chr16:15,721,535, C>T on the plus strand (G>A on the coding strand, the complement: MYH11 is on the minus strand). VCF-style: chr16-15721535-C-T. GRCh37 (hg19) VCF-style: chr16-15815392-C-T.
Other names: c.4486G>A, p.Ala1496Thr (NM_001040113.2, NM_001040114.2); c.4465G>A, p.Ala1489Thr (NM_022844.3); c.948-2656C>T (NM_001143979.2, NM_017668.3); short protein forms A1489T, A1496T.
Identifiers: ClinVar variation 2773808 (VCV002773808.5), dbSNP rs2506126758, ClinGen allele CA394855253.